The following is an entry in ClinVar:

ClinVar aggregate classification (germline): Conflicting classifications of pathogenicity. Review status: criteria provided, conflicting classifications (1 of 4 stars). 10 submissions from 10 submitters: Uncertain significance (1); Benign (4); Likely benign (4). 1 of the submissions does not count toward it. Last evaluated 2026-01-19.

Conditions:
Tuberous sclerosis 2 (TSC2). Identifiers: Orphanet 805, MedGen C1860707, MONDO:0013199, OMIM 613254.
Hereditary cancer-predisposing syndrome. Also called: Hereditary neoplastic syndrome; Tumor predisposition; Neoplastic Syndromes, Hereditary; Hereditary Cancer Syndrome. Identifiers: Orphanet 140162, MedGen C0027672, MeSH D009386, MONDO:0015356.
TSC2-related disorder. Also called: TSC2-related condition; TSC2-Related Disorders.
Tuberous sclerosis syndrome (TSC). Also called: Tuberous Sclerosis Complex; Tuberous sclerosis. Identifiers: Orphanet 805, MedGen C0041341, MONDO:0001734.

Allele frequency attached by ClinVar (database versions not stated): gnomAD 0.00001; gnomAD exomes 0.00002; TOPMed 0.00002; ExAC 0.00003.
gnomAD v4.1: 24 of 1,612,924 alleles (0.0015%); highest among the groups gnomAD compares: Admixed American, 0.01%; no homozygotes.

Submissions (10):

Labcorp Genetics (formerly Invitae), Labcorp
Classification: Benign for Tuberous sclerosis 2. Last evaluated: 2026-01-19. Review status: criteria provided, single submitter. Criteria: Invitae Variant Classification Sherloc (09022015). Collection method: clinical testing. Allele origin: germline.

Myriad Genetics, Inc.
Classification: Benign for Tuberous sclerosis 2. Last evaluated: 2025-05-20. Review status: criteria provided, single submitter. Criteria: Myriad Autosomal Dominant, Autosomal Recessive and X-Linked Classification Criteria (2023). Collection method: clinical testing. Allele origin: unknown.
Comment: This variant is considered benign. This variant is a silent/synonymous amino acid change and it is not expected to impact splicing.

Ambry Genetics
Classification: Likely benign for Hereditary cancer-predisposing syndrome. Last evaluated: 2024-09-27. Review status: criteria provided, single submitter. Criteria: Ambry Variant Classification Scheme 2023. Collection method: clinical testing. Allele origin: germline.

CeGaT Center for Human Genetics Tuebingen
Classification: Likely benign. Last evaluated: 2024-01-01. Review status: criteria provided, single submitter. Criteria: CeGaT Center For Human Genetics Tuebingen Variant Classification Criteria Version 2. Collection method: clinical testing. Allele origin: germline. Affected: yes. Observed: 1 variant allele.
Comment: TSC2: BP4, BP7

Quest Diagnostics Nichols Institute San Juan Capistrano
Classification: Benign. Last evaluated: 2022-11-17. Review status: criteria provided, single submitter. Criteria: Quest Diagnostics criteria. Collection method: clinical testing. Allele origin: unknown.
Comment: The frequency of this variant in the general population is higher than would generally be expected for pathogenic variants in this gene. Computational tools yielded predictions that this variant is unlikely to have an effect on normal RNA splicing. This nucleotide position exhibits low evolutionary conservation. This variant has been seen where an alternate explanation for disease was also identified.

Color Diagnostics, LLC DBA Color Health
Classification: Likely benign for Tuberous sclerosis syndrome. Last evaluated: 2022-09-28. Review status: criteria provided, single submitter. Criteria: ACMG Guidelines, 2015. Collection method: clinical testing. Allele origin: germline.

Genome-Nilou Lab
Classification: Benign for Tuberous sclerosis 2. Last evaluated: 2021-11-07. Review status: criteria provided, single submitter. Criteria: ACMG Guidelines, 2015. Collection method: clinical testing. Allele origin: germline. Affected: no.

Sema4
Classification: Uncertain significance for Hereditary cancer-predisposing syndrome. Last evaluated: 2021-09-16. Review status: criteria provided, single submitter. Criteria: Sema4 Curation Guidelines. Collection method: curation. Allele origin: germline.
Comment: The TSC2 c.2586G>A (p.A862=) variant has not been reported in the literature to our knowledge. It was observed in 5/35428 chromosomes of the Latino subpopulation in the large and broad cohorts of the Genome Aggregation Database (PMID: 32461654). The variant has been reported in ClinVar (Variation ID: 467952). Splice site prediction tools suggest the variant may lead to the creation of a cryptic splice acceptor site, however these predictions have not been confirmed by transcriptional studies. The evidence is insufficient to meet ACMG/AMP criteria for classifying the variant as benign or pathogenic. Thus, the clinical significance of this variant is currently uncertain.

GeneDx
Classification: Likely benign. Last evaluated: 2019-09-09. Review status: criteria provided, single submitter. Criteria: GeneDx Variant Classification Process June 2021. Collection method: clinical testing. Allele origin: germline. Affected: yes.
Comment: This variant is associated with the following publications: (PMID: 26873401, 25589618)

PreventionGenetics, part of Exact Sciences
Classification: Likely benign for TSC2-related condition. Last evaluated: 2019-03-05. Review status: no assertion criteria provided. Collection method: clinical testing. Allele origin: germline. Not counted in ClinVar's aggregate classification.
Comment: This variant is classified as likely benign based on ACMG/AMP sequence variant interpretation guidelines (Richards et al. 2015 PMID: 25741868, with internal and published modifications).

NM_000548.5(TSC2):c.2586G>A (p.Ala862=)

Gene: TSC2 (TSC complex subunit 2; plus strand). Cytogenetic location: 16p13.3.
Variant type: single nucleotide variant.
Coding change: c.2586G>A on transcript NM_000548.5 (MANE Select); coding-DNA position 2586, G replaced by A.
Protein change: p.Ala862=; no amino-acid change (alanine 862 retained).
Molecular consequence: synonymous variant.
Genome position (GRCh38, 1-based): chr16:2,075,839, G>A. VCF-style: chr16-2075839-G-A. GRCh37 (hg19) VCF-style: chr16-2125840-G-A.
Other names: c.2586G>A, p.Ala862= (NM_001077183.3, NM_001114382.3, NM_001363528.2 and 3 more transcripts); c.2475G>A, p.Ala825= (NM_001318827.2); c.2439G>A, p.Ala813= (NM_001318829.2); c.1986G>A, p.Ala662= (NM_001318831.2); c.2619G>A, p.Ala873= (NM_001318832.2); c.2586G>A (NM_000548.4).
Identifiers: ClinVar variation 467952 (VCV000467952.46), dbSNP rs752865665, ClinGen allele CA040154.